The following is an entry in ClinVar:

NM_153717.3(EVC):c.1A>C (p.Met1Leu)

Genes: EVC (EvC ciliary complex subunit 1; plus strand), LOC129992144 (ATAC-STARR-seq lymphoblastoid silent region 15223; plus strand). Cytogenetic location: 4p16.2.
Variant type: single nucleotide variant.
Coding change: c.1A>C on transcript NM_153717.3 (MANE Select); coding-DNA position 1, A replaced by C.
Protein change: p.Met1Leu; changes the start codon (methionine 1).
Molecular consequence: missense variant, initiator codon variant.
Genome position (GRCh38, 1-based): chr4:5,711,381, A>C. VCF-style: chr4-5711381-A-C. GRCh37 (hg19) VCF-style: chr4-5713108-A-C.
Other names: c.1A>C (NM_153717.2); c.1A>C, p.Met1Leu (NM_001306090.2, NM_001306092.2); short protein forms M1L.
Identifiers: ClinVar variation 2934557 (VCV002934557.4), dbSNP rs1324604027, ClinGen allele CA356156107.

ClinVar aggregate classification (germline): Pathogenic/Likely pathogenic. Review status: criteria provided, multiple submitters, no conflicts (2 of 4 stars). 2 submissions from 2 submitters: Pathogenic (1); Likely pathogenic (1). Last evaluated 2025-10-26.

Conditions:
Curry-Hall syndrome (WAD). Also called: WEYERS ACRODENTAL DYSOSTOSIS. Identifiers: Orphanet 952, MedGen C0457013, MONDO:0008673, OMIM 193530.
Ellis-van Creveld syndrome (EVC). Also called: EVC-Related Ellis-van Creveld Syndrome; EVC2-Related Ellis-van Creveld Syndrome; MESOECTODERMAL DYSPLASIA; Chondroectodermal dysplasia. Identifiers: Orphanet 289, MedGen C0013903, MONDO:0009162, OMIM 225500.

Allele frequency attached by ClinVar (database versions not stated): TOPMed below 0.00001.

Submissions (2):

Natera, Inc.
Classification: Likely pathogenic for Ellis-van Creveld syndrome. Last evaluated: 2025-10-26. Review status: criteria provided, single submitter. Criteria: Natera Variant Classification Schema (03/2026). Collection method: clinical testing. Allele origin: germline.
Comment: The c.1A>C variant in EVC is predicted to result in start loss due to disruption of the initiator methionine. This variant is expected to result in nonsense mediated decay, truncation, or a dysfunctional protein product. This variant is rare in the general population with a frequency below the threshold expected for the associated phenotype(s). Given the available evidence, this variant is classified as Likely Pathogenic.

Labcorp Genetics (formerly Invitae), Labcorp
Classification: Pathogenic for Curry-Hall syndrome; Ellis-van Creveld syndrome. Last evaluated: 2023-05-28. Review status: criteria provided, single submitter. Criteria: Invitae Variant Classification Sherloc (09022015). Collection method: clinical testing. Allele origin: germline.
Comment: For these reasons, this variant has been classified as Pathogenic. This variant disrupts a region of the EVC protein in which other variant(s) (p.Gly35Asp) have been observed in individuals with EVC-related conditions (Invitae). This suggests that this is a clinically significant region of the protein, and that variants that disrupt it are likely to be disease-causing. Disruption of the initiator codon has been observed in individuals with Ellis-van Creveld syndrome (PMID: 19810119, 28854412). It has also been observed to segregate with disease in related individuals. This variant is not present in population databases (gnomAD no frequency). This sequence change affects the initiator methionine of the EVC mRNA. The next in-frame methionine is located at codon 92.

Literature cited by the submitters: PubMed 19810119 (cited by Labcorp Genetics (formerly Invitae), Labcorp); PubMed 28854412 (cited by Labcorp Genetics (formerly Invitae), Labcorp).